The following is an entry in ClinVar:

NM_058246.4(DNAJB6):c.235G>A (p.Gly79Ser)

Gene: DNAJB6 (DnaJ heat shock protein family (Hsp40) member B6; plus strand). Cytogenetic location: 7q36.3.
Variant type: single nucleotide variant.
Coding change: c.235G>A on transcript NM_058246.4 (MANE Select); coding-DNA position 235, G replaced by A.
Protein change: p.Gly79Ser; replaces glycine 79 with serine.
Molecular consequence: missense variant.
Genome position (GRCh38, 1-based): chr7:157,366,561, G>A. VCF-style: chr7-157366561-G-A. GRCh37 (hg19) VCF-style: chr7-157159255-G-A.
Other names: c.235G>A, p.Gly79Ser (NM_001363676.1, NM_005494.3); short protein forms G79S.
Identifiers: ClinVar variation 3713211 (VCV003713211.2).

ClinVar aggregate classification (germline): Uncertain significance (1 of 4 stars; one submission).

Conditions:
Autosomal dominant limb-girdle muscular dystrophy type 1D (DNAJB6) (LGMDD1). Also called: MUSCULAR DYSTROPHY, LIMB-GIRDLE, TYPE 1D; MUSCULAR DYSTROPHY, AUTOSOMAL DOMINANT, WITH RIMMED VACUOLES; Autosomal dominant limb-girdle muscular dystrophy type 1D; Muscular dystrophy, limb-girdle, autosomal dominant 1. Identifiers: Orphanet 34516, MedGen C4721885, MONDO:0021018, OMIM 603511.

gnomAD v4.1: 20 of 1,613,630 alleles (0.0012%); highest among the groups gnomAD compares: Non-Finnish European, 0.0015%; no homozygotes.

Submission:

Labcorp Genetics (formerly Invitae), Labcorp
Classification: Uncertain significance for Autosomal dominant limb-girdle muscular dystrophy type 1D (DNAJB6). Last evaluated: 2025-07-10. Review status: criteria provided, single submitter. Criteria: Invitae Variant Classification Sherloc (09022015). Collection method: clinical testing. Allele origin: germline.
Comment: This sequence change replaces glycine, which is neutral and non-polar, with serine, which is neutral and polar, at codon 79 of the DNAJB6 protein (p.Gly79Ser). This variant also falls at the last nucleotide of exon 4, which is part of the consensus splice site for this exon. This variant is present in population databases (no rsID available, gnomAD 0.0009%). This variant has not been reported in the literature in individuals affected with DNAJB6-related conditions. ClinVar contains an entry for this variant (Variation ID: 3713211). An algorithm developed to predict the effect of missense changes on protein structure and function (PolyPhen-2) suggests that this variant is likely to be tolerated. Variants that disrupt the consensus splice site are a relatively common cause of aberrant splicing (PMID: 17576681, 9536098). Algorithms developed to predict the effect of sequence changes on RNA splicing suggest that this variant may create or strengthen a splice site. In summary, the available evidence is currently insufficient to determine the role of this variant in disease. Therefore, it has been classified as a Variant of Uncertain Significance.

Literature cited by the submitters: PubMed 17576681; PubMed 9536098.